The following is an entry in ClinVar:

ClinVar aggregate classification (germline): Uncertain significance (1 of 4 stars; one submission).

Submission:

Labcorp Genetics (formerly Invitae), Labcorp
Classification: Uncertain significance. Last evaluated: 2024-10-07. Review status: criteria provided, single submitter. Criteria: Invitae Variant Classification Sherloc (09022015). Collection method: clinical testing. Allele origin: germline.
Comment: This sequence change replaces alanine, which is neutral and non-polar, with threonine, which is neutral and polar, at codon 237 of the EDNRB protein (p.Ala237Thr). This variant is not present in population databases (gnomAD no frequency). This variant has not been reported in the literature in individuals affected with EDNRB-related conditions. ClinVar contains an entry for this variant (Variation ID: 1944482). Invitae Evidence Modeling of protein sequence and biophysical properties (such as structural, functional, and spatial information, amino acid conservation, physicochemical variation, residue mobility, and thermodynamic stability) has been performed for this missense variant. However, the output from this modeling did not meet the statistical confidence thresholds required to predict the impact of this variant on EDNRB protein function. In summary, the available evidence is currently insufficient to determine the role of this variant in disease. Therefore, it has been classified as a Variant of Uncertain Significance.

NM_001122659.3(EDNRB):c.709G>A (p.Ala237Thr)

Genes: EDNRB (endothelin receptor type B; minus strand), EDNRB-AS1 (EDNRB antisense RNA 1; plus strand). Cytogenetic location: 13q22.3.
Variant type: single nucleotide variant.
Coding change: c.709G>A on transcript NM_001122659.3 (MANE Select); coding-DNA position 709, G replaced by A.
Protein change: p.Ala237Thr; replaces alanine 237 with threonine.
Molecular consequence: missense variant.
Genome position (GRCh38, 1-based): chr13:77,903,248, C>T on the plus strand (G>A on the coding strand, the complement: EDNRB is on the minus strand). VCF-style: chr13-77903248-C-T. GRCh37 (hg19) VCF-style: chr13-78477383-C-T.
Other names: c.709G>A, p.Ala237Thr (NM_000115.5, NM_003991.4); c.979G>A, p.Ala327Thr (NM_001201397.2); short protein forms A327T, A237T.
Identifiers: ClinVar variation 1944482 (VCV001944482.5), dbSNP rs2501546936, ClinGen allele CA388450723.